The following is an entry in ClinVar:

NM_000218.3(KCNQ1):c.1394-16824C>T

Genes: KCNQ1 (potassium voltage-gated channel subfamily Q member 1; plus strand), KCNQ1OT1 (KCNQ1 opposite strand/antisense transcript 1; minus strand). Cytogenetic location: 11p15.5.
Variant type: single nucleotide variant.
Coding change: c.1394-16824C>T on transcript NM_000218.3 (MANE Select); 16824 bases into the intron before coding-DNA position 1394, C replaced by T.
Molecular consequence: intron variant. On other transcripts: non-coding transcript variant (1).
Genome position (GRCh38, 1-based): chr11:2,645,137, C>T. VCF-style: chr11-2645137-C-T. GRCh37 (hg19) VCF-style: chr11-2666367-C-T.
Other names: c.1124-16824C>T (NM_001406837.1); c.1298-16824C>T (NM_001406836.1); c.854-16824C>T (NM_001406838.1); c.1013-16824C>T (NM_181798.2).
Identifiers: ClinVar variation 2641419 (VCV002641419.24), dbSNP rs567750318, ClinGen allele CA216157703.
Genomic context (GRCh38, chr11:2,645,137, plus strand): 5'-GTGGGTAGGTCCTTGAGCTCTGAGCAGCAGATATGGCTTGGGCAATGGCAGTAGCAGTGG[C>T]AGAACAATCTTCTGCCTCCCAAGGTGTCCATGCTGGTATTGGGATGGCTGGGATAAGCTG-3'

ClinVar aggregate classification (germline): Benign (1 of 4 stars; one submission).

Allele frequency attached by ClinVar (database versions not stated): gnomAD 0.00081; TOPMed 0.00082; gnomAD exomes 0.00108; 1000 Genomes Project 30x 0.00125; 1000 Genomes Project 0.00160.
gnomAD v4.1: 396 of 398,628 alleles (0.099%); highest among the groups gnomAD compares: Middle Eastern, 0.75%; 2 homozygotes.

Submission:

CeGaT Center for Human Genetics Tuebingen
Classification: Benign. Last evaluated: 2026-09-01. Review status: criteria provided, single submitter. Criteria: CeGaT Center For Human Genetics Tuebingen Variant Classification Criteria Version 2. Collection method: clinical testing. Allele origin: germline. Affected: yes. Observed: 20 variant alleles.
Comment: KCNQ1OT1: BS1, BS2